The following is an entry in ClinVar:

ClinVar aggregate classification (germline): Uncertain significance/Uncertain risk allele. Review status: criteria provided, multiple submitters, no conflicts (2 of 4 stars). 2 submissions from 2 submitters: Uncertain significance (1); Uncertain risk allele (1). Last evaluated 2016-01-01.

Conditions:
Type 2 diabetes mellitus. Also called: Type II diabetes mellitus. Identifiers: MedGen C0011860, MeSH D003924, MONDO:0005148, OMIM 125853, HP:0005978.
Wolfram syndrome 1 (WFS1). Identifiers: Orphanet 3463, MedGen C4551693, MONDO:0009101, OMIM 222300.

Submissions (2):

Centre for Mendelian Genomics, University Medical Centre Ljubljana
Classification: Uncertain significance for Type 2 diabetes mellitus. Last evaluated: 2016-01-01. Review status: criteria provided, single submitter. Criteria: ACMG Guidelines, 2015. Collection method: clinical testing. Allele origin: unknown. Affected: yes.
Comment: This variant was classified as: Uncertain significance. The following ACMG criteria were applied in classifying this variant: PM2,PP2,PP3.

Clinical Genomics, Uppaluri K&H Personalized Medicine Clinic
Classification: Uncertain risk allele for Wolfram syndrome 1. Review status: criteria provided, single submitter. Criteria: K & H Uppaluri Personalized Medicine Clinic Variant Classification & Assertion Criteria_Updated V.1. Collection method: research. Allele origin: unknown. Inheritance: Autosomal recessive inheritance.
Comment: Potent mutations in WFS1 gene are associated with Wolfram's syndrome, an autosomal recessive condition, which cause diabetes mellitus, diabetes insipidus, deafness and optic atrophy. However no sufficient evidence is found to ascertain the role of this particular variant rs1730968164 in Wolfram's syndrome yet.

Literature cited by the submitters: PubMed 20738327 (cited by Clinical Genomics, Uppaluri K&H Personalized Medicine Clinic); PubMed 33879153 (cited by Clinical Genomics, Uppaluri K&H Personalized Medicine Clinic); PubMed 12955714 (cited by Clinical Genomics, Uppaluri K&H Personalized Medicine Clinic); PubMed 18060660 (cited by Clinical Genomics, Uppaluri K&H Personalized Medicine Clinic); PubMed 20301750 (cited by Clinical Genomics, Uppaluri K&H Personalized Medicine Clinic); PubMed 17603484 (cited by Clinical Genomics, Uppaluri K&H Personalized Medicine Clinic).

NM_006005.3(WFS1):c.2480C>T (p.Thr827Ile)

Gene: WFS1 (wolframin ER transmembrane glycoprotein; plus strand). Cytogenetic location: 4p16.1.
Variant type: single nucleotide variant.
Coding change: c.2480C>T on transcript NM_006005.3 (MANE Select); coding-DNA position 2480, C replaced by T.
Protein change: p.Thr827Ile; replaces threonine 827 with isoleucine.
Molecular consequence: missense variant.
Genome position (GRCh38, 1-based): chr4:6,302,275, C>T. VCF-style: chr4-6302275-C-T. GRCh37 (hg19) VCF-style: chr4-6304002-C-T.
Other names: c.2480C>T, p.Thr827Ile (NM_001145853.1); short protein forms T827I.
Identifiers: ClinVar variation 930354 (VCV000930354.4), dbSNP rs1730968164, ClinGen allele CA356178667.